The following is an entry in ClinVar:

NM_006531.5(IFT88):c.1000G>C (p.Val334Leu)

Gene: IFT88 (intraflagellar transport 88; plus strand). Cytogenetic location: 13q12.11.
Variant type: single nucleotide variant.
Coding change: c.1000G>C on transcript NM_006531.5 (MANE Select); coding-DNA position 1000, G replaced by C.
Protein change: p.Val334Leu; replaces valine 334 with leucine.
Molecular consequence: missense variant. On other transcripts: non-coding transcript variant (5).
Genome position (GRCh38, 1-based): chr13:20,601,892, G>C. VCF-style: chr13-20601892-G-C. GRCh37 (hg19) VCF-style: chr13-21176031-G-C.
Other names: c.943G>C, p.Val315Leu (NM_001318491.2, NM_001353573.2, NM_001353575.2); c.1027G>C, p.Val343Leu (NM_001318493.2, NM_001353565.2, NM_001353566.2 and 2 more transcripts); c.1000G>C, p.Val334Leu (NM_001353568.2, NM_001353572.2); c.925G>C, p.Val309Leu (NM_001353569.2, NM_001353570.2, NM_001353576.2 and 1 more transcripts); c.898G>C, p.Val300Leu (NM_001353571.2, NM_001353578.2); c.841G>C, p.Val281Leu (NM_001353574.2); c.367G>C, p.Val123Leu (NM_001353579.2); short protein forms V281L, V315L, V300L, V123L, V309L, V334L, V343L.
Identifiers: ClinVar variation 4983768 (VCV004983768.1).

ClinVar aggregate classification (germline): Uncertain significance (1 of 4 stars; one submission).

Conditions:
IFT88-related disorder. Also called: IFT88-related condition.

gnomAD v4.1: 3 of 1,606,734 alleles (0.00019%); highest among the groups gnomAD compares: Admixed American, 0.005%; no homozygotes.

Submission:

PreventionGenetics, part of Exact Sciences
Classification: Uncertain significance for IFT88-related condition. Last evaluated: 2026-06-24. Review status: criteria provided, single submitter. Criteria: ACMG Guidelines, 2015. Collection method: clinical testing. Allele origin: germline.
Comment: The IFT88 c.1027G>C variant is predicted to result in the amino acid substitution p.Val343Leu. To our knowledge, this variant has not been reported in the literature. This variant is reported in 0.0058% of alleles in individuals of Latino descent in gnomAD. At this time, the clinical significance of this variant is uncertain due to the absence of conclusive functional and genetic evidence.